The following is an entry in ClinVar:

ClinVar aggregate classification (germline): Uncertain significance (1 of 4 stars; one submission).

Submission:

GeneDx
Classification: Uncertain significance. Last evaluated: 2024-11-11. Review status: criteria provided, single submitter. Criteria: GeneDx Variant Classification Process June 2021. Collection method: clinical testing. Allele origin: germline. Affected: yes.
Comment: Not observed at significant frequency in large population cohorts (gnomAD); In silico analysis supports that this missense variant has a deleterious effect on protein structure/function; In silico analysis supports a deleterious effect on splicing; Has not been previously published as pathogenic or benign to our knowledge

NM_138615.3(DHX30):c.2029G>A (p.Gly677Arg)

Gene: DHX30 (DExH-box helicase 30; plus strand). Cytogenetic location: 3p21.31.
Variant type: single nucleotide variant.
Coding change: c.2029G>A on transcript NM_138615.3 (MANE Select); coding-DNA position 2029, G replaced by A.
Protein change: p.Gly677Arg; replaces glycine 677 with arginine.
Molecular consequence: missense variant.
Genome position (GRCh38, 1-based): chr3:47,847,455, G>A. VCF-style: chr3-47847455-G-A. GRCh37 (hg19) VCF-style: chr3-47888945-G-A.
Other names: c.1945G>A, p.Gly649Arg (NM_001330990.2); c.1912G>A, p.Gly638Arg (NM_014966.4); short protein forms G638R, G649R, G677R.
Identifiers: ClinVar variation 3898824 (VCV003898824.1).